The following is an entry in ClinVar:

NM_000142.5(FGFR3):c.1316G>T (p.Arg439Leu)

Gene: FGFR3 (fibroblast growth factor receptor 3; plus strand). Cytogenetic location: 4p16.3.
Variant type: single nucleotide variant.
Coding change: c.1316G>T on transcript NM_000142.5 (MANE Select); coding-DNA position 1316, G replaced by T.
Protein change: p.Arg439Leu; replaces arginine 439 with leucine.
Molecular consequence: missense variant. On other transcripts: non-coding transcript variant (1).
Genome position (GRCh38, 1-based): chr4:1,804,873, G>T. VCF-style: chr4-1804873-G-T. GRCh37 (hg19) VCF-style: chr4-1806600-G-T.
Other names: c.1322G>T, p.Arg441Leu (NM_001163213.2); c.1319G>T, p.Arg440Leu (NM_001354809.2, NM_001354810.2); c.980G>T, p.Arg327Leu (NM_022965.4); short protein forms R327L, R439L, R441L, R440L.
Identifiers: ClinVar variation 2114189 (VCV002114189.4), dbSNP rs529493162, ClinGen allele CA355980192.
Genomic context (GRCh38, chr4:1,804,873, plus strand): 5'-GACCCAAGCAGGTGTCCCTGGAGTCCAACGCGTCCATGAGCTCCAACACACCACTGGTGC[G>T]CATCGCAAGGCTGTCCTCAGGGGAGGGCCCCACGCTGGCCAATGTCTCCGAGCTCGAGCT-3'
Protein context (NP_000133.1, residues 429-449): ASMSSNTPLV[Arg439Leu]IARLSSGEGP

ClinVar aggregate classification (germline): Uncertain significance (1 of 4 stars; one submission).

Submission:

Labcorp Genetics (formerly Invitae), Labcorp
Classification: Uncertain significance. Last evaluated: 2022-05-05. Review status: criteria provided, single submitter. Criteria: Invitae Variant Classification Sherloc (09022015). Collection method: clinical testing. Allele origin: germline.
Comment: This variant has not been reported in the literature in individuals affected with FGFR3-related conditions. This sequence change replaces arginine, which is basic and polar, with leucine, which is neutral and non-polar, at codon 439 of the FGFR3 protein (p.Arg439Leu). This variant is not present in population databases (gnomAD no frequency). Algorithms developed to predict the effect of missense changes on protein structure and function (SIFT, PolyPhen-2, Align-GVGD) all suggest that this variant is likely to be disruptive. In summary, the available evidence is currently insufficient to determine the role of this variant in disease. Therefore, it has been classified as a Variant of Uncertain Significance.